The following is an entry in ClinVar:

ClinVar aggregate classification (germline): Likely pathogenic (1 of 4 stars; one submission).

Conditions:
Autosomal recessive nonsyndromic hearing loss 23. Identifiers: Orphanet 90636, MedGen C1836027, MONDO:0012293, OMIM 609533.

Submission:

King Laboratory, University of Washington
Classification: Likely pathogenic for Autosomal recessive nonsyndromic hearing loss 23. Last evaluated: 2020-08-01. Review status: criteria provided, single submitter. Criteria: Abu Rayyan A et al. (Proc Natl Acad Sci U S A 2020). Collection method: research. Allele origin: germline. Affected: yes.
Comment: PCDH15 c.432C>G, p.D144E alters a residue of a PCDH15 cadherin domain that is completely conserved in all sequenced vertebrates. The variant is homozygous in 2 Palestinian children with pre-lingual hearing loss (Abu Rayyan 2020). The variant is absent from 1300 Palestinian controls and from gnomAD v2.1.1.

NM_001384140.1(PCDH15):c.417C>G (p.Asp139Glu)

Gene: PCDH15 (protocadherin related 15; minus strand). Cytogenetic location: 10q21.1.
Variant type: single nucleotide variant.
Coding change: c.417C>G on transcript NM_001384140.1 (MANE Select); coding-DNA position 417, C replaced by G.
Protein change: p.Asp139Glu; replaces aspartic acid 139 with glutamic acid.
Molecular consequence: missense variant.
Genome position (GRCh38, 1-based): chr10:54,369,177, G>C on the plus strand (C>G on the coding strand, the complement: PCDH15 is on the minus strand). VCF-style: chr10-54369177-G-C. GRCh37 (hg19) VCF-style: chr10-56128937-G-C.
Other names: NM_001142769.1:c.432C>G; c.432C>G, p.Asp144Glu (NM_001142763.2, NM_001142769.4, NM_001142771.2); c.417C>G, p.Asp139Glu (NM_001142764.2, NM_001142765.2, NM_001142766.2 and 8 more transcripts); c.351C>G, p.Asp117Glu (NM_001142768.2, NM_001142773.2, NM_001354404.2); short protein forms D117E, D139E, D144E.
Identifiers: ClinVar variation 1334113 (VCV001334113.2), dbSNP rs2134714388, ClinGen allele CA376542188.
Genomic context (GRCh38, chr10:54,369,177, plus strand): 5'-GACCTCATTCACTGTGGCATAGTAGCTTTCATGCTTGAAAGTGGGTGAGTTGTCATTCCT[G>C]TCTCTCACCACTATTCGCACTTCATGGTAGATAATAGTGCCCACTTTTTTGTTGATGCAC-3'
Protein context (NP_001371069.1, residues 129-149): IYHEVRIVVR[Asp139Glu]RNDNSPTFKH